The following is an entry in ClinVar:

ClinVar aggregate classification (germline): Pathogenic (1 of 4 stars; one submission).

Conditions:
Familial cancer of breast. Also called: Hereditary breast cancer; BREAST CANCER, FAMILIAL; hereditary breast carcinoma. Identifiers: Orphanet 227535, MedGen C0346153, MONDO:0016419, OMIM 114480. Disease mechanism: loss of function.

Submission:

Myriad Genetics, Inc.
Classification: Pathogenic for Familial cancer of breast. Last evaluated: 2023-05-23. Review status: criteria provided, single submitter. Criteria: Myriad Autosomal Dominant, Autosomal Recessive and X-Linked Classification Criteria (2023). Collection method: clinical testing. Allele origin: unknown.
Comment: This variant is considered pathogenic. This variant creates a frameshift predicted to result in premature protein truncation.

NM_000465.4(BARD1):c.1696_1697del (p.Arg566fs)

Gene: BARD1 (BRCA1 associated RING domain 1; minus strand). Cytogenetic location: 2q35.
Variant type: Deletion.
Coding change: c.1696_1697del on transcript NM_000465.4 (MANE Select); coding-DNA positions 1696 to 1697, 2 bases deleted (AG; older notation c.1696_1697delAG).
Protein change: p.Arg566fs; shifts the reading frame from arginine 566.
Molecular consequence: frameshift variant. On other transcripts: non-coding transcript variant (3), intron variant (1).
Genome position (GRCh38, 1-based): chr2:214,745,835-214,745,836, CT deleted on the plus strand (AG on the coding strand, the reverse complement: BARD1 is on the minus strand). VCF-style (leftmost placement, unchanged base first): chr2-214745834-CCT-C. GRCh37 (hg19) VCF-style: chr2-215610558-CCT-C.
Other names: c.1639_1640del, p.Arg547fs (NM_001282543.2); c.343_344del, p.Arg115fs (NM_001282545.2); c.286_287del, p.Arg96fs (NM_001282548.2); c.365-15328_365-15327del (NM_001282549.2); short protein forms R115fs, R547fs, R566fs, R96fs.
Identifiers: ClinVar variation 2583713 (VCV002583713.2), dbSNP rs2469343545, ClinGen allele CA2582342068.
Genomic context (GRCh38, chr2:214,745,834, plus strand): 5'-ACTGAGCATTTTCTGTTGTTCTGAAGACAGCCCACTGCCTATAAGTACAAGAGGTCCATC[CCT>C]ACGCTGCCCAGTGTTCATCTGTTAATATAAAAGGAGATACCAGTGTTAAAAACATTAGAC-3'